The following is an entry in ClinVar:

ClinVar aggregate classification (germline): Likely pathogenic (1 of 4 stars; one submission).

Conditions:
Developmental and epileptic encephalopathy, 11 (DEE11). Also called: Early infantile epileptic encephalopathy 11. Identifiers: Orphanet 1934, MedGen C3150987, MONDO:0013388, OMIM 613721.

Submission:

Institute of Human Genetics, University of Leipzig Medical Center
Classification: Likely pathogenic for Developmental and epileptic encephalopathy, 11. Last evaluated: 2024-01-15. Review status: criteria provided, single submitter. Criteria: ACMG Guidelines, 2015. Collection method: clinical testing. Allele origin: de novo. Inheritance: Autosomal dominant inheritance. Affected: yes.
Comment: Criteria applied: PM1, PS1, PM2_SUP, PM5_SUP, PS2_MOD

NM_001040142.2(SCN2A):c.2715G>T (p.Lys905Asn)

Gene: SCN2A (sodium voltage-gated channel alpha subunit 2; plus strand). Cytogenetic location: 2q24.3.
Variant type: single nucleotide variant.
Coding change: c.2715G>T on transcript NM_001040142.2 (MANE Select); coding-DNA position 2715, G replaced by T.
Protein change: p.Lys905Asn; replaces lysine 905 with asparagine.
Molecular consequence: missense variant.
Genome position (GRCh38, 1-based): chr2:165,344,707, G>T. VCF-style: chr2-165344707-G-T. GRCh37 (hg19) VCF-style: chr2-166201217-G-T.
Other names: c.2715G>T, p.Lys905Asn (NM_001040143.2, NM_001371246.1, NM_001371247.1 and 1 more transcripts); short protein forms K905N.
Identifiers: ClinVar variation 2692367 (VCV002692367.2), dbSNP rs796053119, ClinGen allele CA349014714.
Genomic context (GRCh38, chr2:165,344,707, plus strand): 5'-CTTGGTATTGGCCATCATCGTCTTCATTTTTGCTGTGGTCGGCATGCAGCTCTTTGGTAA[G>T]AGCTACAAAGAATGTGTCTGCAAGATTTCCAATGATTGTGAACTCCCACGCTGGCACATG-3'
Protein context (NP_001035232.1, residues 895-915): FAVVGMQLFG[Lys905Asn]SYKECVCKIS